The following is an entry in ClinVar:

ClinVar aggregate classification (germline): Uncertain significance (1 of 4 stars; one submission).

Allele frequency attached by ClinVar (database versions not stated): TOPMed below 0.00001.
gnomAD v4.1: 5 of 1,613,530 alleles (0.00031%); highest among the groups gnomAD compares: African/African-American, 0.0027%; no homozygotes.

Submission:

Labcorp Genetics (formerly Invitae), Labcorp
Classification: Uncertain significance. Last evaluated: 2021-01-14. Review status: criteria provided, single submitter. Criteria: Invitae Variant Classification Sherloc (09022015). Collection method: clinical testing. Allele origin: germline.
Comment: This sequence change replaces alanine with aspartic acid at codon 1789 of the COL7A1 protein (p.Ala1789Asp). The alanine residue is moderately conserved and there is a moderate physicochemical difference between alanine and aspartic acid. This variant is not present in population databases (ExAC no frequency). This variant has not been reported in the literature in individuals with COL7A1-related conditions. Advanced modeling of protein sequence and biophysical properties (such as structural, functional, and spatial information, amino acid conservation, physicochemical variation, residue mobility, and thermodynamic stability) performed at Invitae indicates that this missense variant is not expected to disrupt COL7A1 protein function. In summary, the available evidence is currently insufficient to determine the role of this variant in disease. Therefore, it has been classified as a Variant of Uncertain Significance.

NM_000094.4(COL7A1):c.5366C>A (p.Ala1789Asp)

Gene: COL7A1 (collagen type VII alpha 1 chain; minus strand). Cytogenetic location: 3p21.31.
Variant type: single nucleotide variant.
Coding change: c.5366C>A on transcript NM_000094.4 (MANE Select); coding-DNA position 5366, C replaced by A.
Protein change: p.Ala1789Asp; replaces alanine 1789 with aspartic acid.
Molecular consequence: missense variant.
Genome position (GRCh38, 1-based): chr3:48,579,219, G>T on the plus strand (C>A on the coding strand, the complement: COL7A1 is on the minus strand). VCF-style: chr3-48579219-G-T. GRCh37 (hg19) VCF-style: chr3-48616652-G-T.
Other names: short protein forms A1789D.
Identifiers: ClinVar variation 1923702 (VCV001923702.2), dbSNP rs772973596, ClinGen allele CA352675497.
Genomic context (GRCh38, chr3:48,579,219, plus strand): 5'-GGGGAAGGGGACAACCAGGCAGGACTACCAAGACTCACATTCGGCCCAGAGGGCCCAGCG[G>T]CTCCTGGTTTCCCATCCAGTCCGCTCCGGCCATCCAGCCCAGGGGGACCCCGGTCACCCT-3'
Protein context (NP_000085.1, residues 1779-1799): GRSGLDGKPG[Ala1789Asp]AGPSGPNGAA